The following is an entry in ClinVar:

ClinVar aggregate classification (germline): Uncertain significance. Review status: criteria provided, multiple submitters, no conflicts (2 of 4 stars). 2 submissions from 2 submitters: Uncertain significance (2). Last evaluated 2025-12-06.

Allele frequency attached by ClinVar (database versions not stated): TOPMed below 0.00001; gnomAD 0.00001.

Submissions (2):

Labcorp Genetics (formerly Invitae), Labcorp
Classification: Uncertain significance. Last evaluated: 2025-12-06. Review status: criteria provided, single submitter. Criteria: Invitae Variant Classification Sherloc (09022015). Collection method: clinical testing. Allele origin: germline.
Comment: This sequence change replaces proline, which is neutral and non-polar, with serine, which is neutral and polar, at codon 263 of the TNNI3K protein (p.Pro263Ser). This variant is not present in population databases (gnomAD no frequency). This variant has not been reported in the literature in individuals affected with TNNI3K-related conditions. ClinVar contains an entry for this variant (Variation ID: 1391081). Invitae Evidence Modeling of protein sequence and biophysical properties (such as structural, functional, and spatial information, amino acid conservation, physicochemical variation, residue mobility, and thermodynamic stability) indicates that this missense variant is not expected to disrupt TNNI3K protein function with a negative predictive value of 80%. In summary, the available evidence is currently insufficient to determine the role of this variant in disease. Therefore, it has been classified as a Variant of Uncertain Significance.

Blueprint Genetics
Classification: Uncertain significance. Last evaluated: 2024-06-06. Review status: criteria provided, single submitter. Criteria: ACMG Guidelines, 2015. Collection method: clinical testing. Allele origin: germline.

NM_015978.3(TNNI3K):c.787C>T (p.Pro263Ser)

Genes: FPGT-TNNI3K (FPGT-TNNI3K readthrough; plus strand), TNNI3K (TNNI3 interacting kinase; plus strand). Cytogenetic location: 1p31.1.
Variant type: single nucleotide variant.
Coding change: c.787C>T on transcript NM_015978.3 (MANE Select); coding-DNA position 787, C replaced by T.
Protein change: p.Pro263Ser; replaces proline 263 with serine.
Molecular consequence: missense variant.
Genome position (GRCh38, 1-based): chr1:74,342,946, C>T. VCF-style: chr1-74342946-C-T. GRCh37 (hg19) VCF-style: chr1-74808630-C-T.
Other names: c.1090C>T, p.Pro364Ser (NM_001112808.3, NM_001199327.2); short protein forms P364S, P263S.
Identifiers: ClinVar variation 1391081 (VCV001391081.7), dbSNP rs1660821899, ClinGen allele CA340781821.